The following is an entry in ClinVar:

ClinVar aggregate classification (germline): Uncertain significance (1 of 4 stars; one submission).

Conditions:
Inflammatory skin and bowel disease, neonatal, 1. Identifiers: Orphanet 294023, MedGen C3280501, MONDO:0013693, OMIM 614328.

Submission:

Labcorp Genetics (formerly Invitae), Labcorp
Classification: Uncertain significance for Inflammatory skin and bowel disease, neonatal, 1. Last evaluated: 2021-02-13. Review status: criteria provided, single submitter. Criteria: Invitae Variant Classification Sherloc (09022015). Collection method: clinical testing. Allele origin: germline.
Comment: This variant is not present in population databases (ExAC no frequency). In summary, the available evidence is currently insufficient to determine the role of this variant in disease. Therefore, it has been classified as a Variant of Uncertain Significance. Algorithms developed to predict the effect of missense changes on protein structure and function are either unavailable or do not agree on the potential impact of this missense change (SIFT: "Not Available"; PolyPhen-2: "Benign"; Align-GVGD: "Not Available"). This variant has not been reported in the literature in individuals with ADAM17-related conditions. This sequence change replaces glutamine with arginine at codon 763 of the ADAM17 protein (p.Gln763Arg). The glutamine residue is moderately conserved and there is a small physicochemical difference between glutamine and arginine.

NM_003183.6(ADAM17):c.2288A>G (p.Gln763Arg)

Genes: IAH1 (isoamyl acetate hydrolyzing esterase 1 (putative); plus strand), ADAM17 (ADAM metallopeptidase domain 17; minus strand). Cytogenetic location: 2p25.1.
Variant type: single nucleotide variant.
Coding change: c.2288A>G on transcript NM_003183.6 (MANE Select); coding-DNA position 2288, A replaced by G.
Protein change: p.Gln763Arg; replaces glutamine 763 with arginine.
Molecular consequence: missense variant.
Genome position (GRCh38, 1-based): chr2:9,490,364, T>C on the plus strand (A>G on the coding strand, the complement: ADAM17 is on the minus strand). VCF-style: chr2-9490364-T-C. GRCh37 (hg19) VCF-style: chr2-9630493-T-C.
Other names: c.1628A>G, p.Gln543Arg (NM_001382777.1); c.1391A>G, p.Gln464Arg (NM_001382778.1); short protein forms Q464R, Q543R, Q763R.
Identifiers: ClinVar variation 1509627 (VCV001509627.6), dbSNP rs2124948504, ClinGen allele CA345794551.